The following is an entry in ClinVar:

NM_000136.3(FANCC):c.1582C>T (p.Gln528Ter)

Genes: FANCC (FA complementation group C; minus strand), AOPEP (aminopeptidase O (putative); plus strand). Cytogenetic location: 9q22.32.
Variant type: single nucleotide variant.
Coding change: c.1582C>T on transcript NM_000136.3 (MANE Select); coding-DNA position 1582, C replaced by T.
Protein change: p.Gln528Ter; replaces glutamine 528 with a stop codon.
Molecular consequence: nonsense.
Genome position (GRCh38, 1-based): chr9:95,101,802, G>A on the plus strand (C>T on the coding strand, the complement: FANCC is on the minus strand). VCF-style: chr9-95101802-G-A. GRCh37 (hg19) VCF-style: chr9-97864084-G-A.
Other names: c.1582C>T, p.Gln528Ter (NM_001243743.2); short protein forms Q528*.
Identifiers: ClinVar variation 2699386 (VCV002699386.4), dbSNP rs2540750383, ClinGen allele CA374104629.

ClinVar aggregate classification (germline): Pathogenic. Review status: criteria provided, multiple submitters, no conflicts (2 of 4 stars). 2 submissions from 2 submitters: Pathogenic (2). Last evaluated 2024-10-25.

Conditions:
Hereditary cancer-predisposing syndrome. Also called: Neoplastic Syndromes, Hereditary; Tumor predisposition; Hereditary neoplastic syndrome; Hereditary Cancer Syndrome. Identifiers: Orphanet 140162, MedGen C0027672, MeSH D009386, MONDO:0015356.
Fanconi anemia (FA). Also called: Fanconi's anemia. Identifiers: Orphanet 84, MedGen C0015625, MeSH D005199, MONDO:0019391.

Submissions (2):

Ambry Genetics
Classification: Pathogenic for Hereditary cancer-predisposing syndrome. Last evaluated: 2024-10-25. Review status: criteria provided, single submitter. Criteria: Ambry Variant Classification Scheme 2023. Collection method: clinical testing. Allele origin: germline.
Comment: The p.Q528* variant (also known as c.1582C>T), located in coding exon 14 of the FANCC gene, results from a C to T substitution at nucleotide position 1582. This changes the amino acid from a glutamine to a stop codon within coding exon 14. This alteration occurs at the 3' terminus of the FANCC gene, is not expected to trigger nonsense-mediated mRNA decay, and only impacts the last 5.7% of the protein. However, premature stop codons are typically deleterious in nature and the impacted region is critical for protein function (Ambry internal data). This variant is considered to be rare based on population cohorts in the Genome Aggregation Database (gnomAD). Based on the supporting evidence, this variant is interpreted as a disease-causing mutation.

Labcorp Genetics (formerly Invitae), Labcorp
Classification: Pathogenic for Fanconi anemia. Last evaluated: 2023-11-28. Review status: criteria provided, single submitter. Criteria: Invitae Variant Classification Sherloc (09022015). Collection method: clinical testing. Allele origin: germline.
Comment: This sequence change creates a premature translational stop signal (p.Gln528*) in the FANCC gene. While this is not anticipated to result in nonsense mediated decay, it is expected to disrupt the last 31 amino acid(s) of the FANCC protein. This variant is not present in population databases (gnomAD no frequency). This variant has not been reported in the literature in individuals affected with FANCC-related conditions. Algorithms developed to predict the effect of sequence changes on RNA splicing suggest that this variant may disrupt the consensus splice site. This variant disrupts a region of the FANCC protein in which other variant(s) (p.Leu554Pro) have been determined to be pathogenic (PMID: 8703809, 11050007). This suggests that this is a clinically significant region of the protein, and that variants that disrupt it are likely to be disease-causing. For these reasons, this variant has been classified as Pathogenic.

Literature cited by the submitters: PubMed 8703809 (cited by Labcorp Genetics (formerly Invitae), Labcorp); PubMed 11050007 (cited by Labcorp Genetics (formerly Invitae), Labcorp).